The following is an entry in ClinVar:

ClinVar aggregate classification (germline): Uncertain significance. Review status: criteria provided, single submitter (1 of 4 stars). 2 submissions from 2 submitters: Uncertain significance (1). 1 of the submissions does not count toward it. Last evaluated 2017-11-21.

Conditions:
HBD-related disorder. Also called: HBD-related condition; HBD-Related Disorders.

Allele frequency attached by ClinVar (database versions not stated): gnomAD exomes 0.00032; 1000 Genomes Project 0.00280; TOPMed 0.00313; gnomAD 0.00320 and 0.00351; 1000 Genomes Project 30x 0.00328.
gnomAD v4.1: 950 of 1,613,100 alleles (0.059%); highest among the groups gnomAD compares: African/African-American, 1.2%; 5 homozygotes.

Submissions (2):

Illumina Laboratory Services, Illumina
Classification: Uncertain significance for HBD-Related Disorders. Last evaluated: 2017-11-21. Review status: criteria provided, single submitter. Criteria: ICSL Variant Classification Criteria 13 December 2019. Collection method: clinical testing. Allele origin: germline.

PreventionGenetics, part of Exact Sciences
Classification: Likely benign for HBD-related condition. Last evaluated: 2019-03-05. Review status: no assertion criteria provided. Collection method: clinical testing. Allele origin: germline. Not counted in ClinVar's aggregate classification.
Comment: This variant is classified as likely benign based on ACMG/AMP sequence variant interpretation guidelines (Richards et al. 2015 PMID: 25741868, with internal and published modifications).

NM_000519.4(HBD):c.*102G>A

Gene: HBD (hemoglobin subunit delta; minus strand). Cytogenetic location: 11p15.4.
Variant type: single nucleotide variant.
Coding change: c.*102G>A on transcript NM_000519.4 (MANE Select); 102 bases downstream of the stop codon, G replaced by A.
Molecular consequence: 3 prime UTR variant.
Genome position (GRCh38, 1-based): chr11:5,232,862, C>T on the plus strand (G>A on the coding strand, the complement: HBD is on the minus strand). VCF-style: chr11-5232862-C-T. GRCh37 (hg19) VCF-style: chr11-5254092-C-T.
Identifiers: ClinVar variation 878068 (VCV000878068.6), dbSNP rs80018520, ClinGen allele CA217120416.